The following is an entry in ClinVar:

NM_001267550.2(TTN):c.66936A>T (p.Ser22312=)

Genes: TTN-AS1 (TTN antisense RNA 1; plus strand), TTN (titin; minus strand). Cytogenetic location: 2q31.2.
Variant type: single nucleotide variant.
Coding change: c.66936A>T on transcript NM_001267550.2 (MANE Select); coding-DNA position 66936, A replaced by T.
Protein change: p.Ser22312=; no amino-acid change (serine 22312 retained).
Molecular consequence: synonymous variant.
Genome position (GRCh38, 1-based): chr2:178,580,443, T>A on the plus strand (A>T on the coding strand, the complement: TTN is on the minus strand). VCF-style: chr2-178580443-T-A. GRCh37 (hg19) VCF-style: chr2-179445170-T-A.
Other names: c.62013A>T, p.Ser20671= (NM_001256850.1); c.39741A>T, p.Ser13247= (NM_003319.4); c.59232A>T, p.Ser19744= (NM_133378.4); c.40116A>T, p.Ser13372= (NM_133432.3); c.40317A>T, p.Ser13439= (NM_133437.4).
Identifiers: ClinVar variation 191916 (VCV000191916.1), dbSNP rs786205384, ClinGen allele CA237861.
Genomic context (GRCh38, chr2:178,580,443, plus strand): 5'-ATATTTTCCTGCATCATATTTGTTCACATTTTCACAGCGCAAGAAAGTGTCAAAGTCAGT[T>A]GACTTTATGTCCAGTCCAATCCTGTCTCTTAGATTGACATTTGGTTTAGACCAAGTAATC-3'
Protein context (NP_001254479.2, residues 22302-22322): LRDRIGLDIK[Ser22312=]TDFDTFLRCE

ClinVar aggregate classification (germline): Uncertain significance (1 of 4 stars; one submission).

Submission:

Biesecker Lab/Clinical Genomics Section, National Institutes of Health
Classification: Uncertain significance. Last evaluated: 2013-06-24. Review status: criteria provided, single submitter. Criteria: Ng et al. (Circ Cardiovasc Genet. 2013). Collection method: research. Allele origin: unknown. Observed: 1 variant allele. Study: ClinSeq.
Comment: The study set was not selected for affection status in relation to any cancer. Pathogenicity categories were based on literature curation. See Pubmed ID:23861362 for details.

Medical sequencing